The following is an entry in ClinVar:

NM_007118.4(TRIO):c.6342C>A (p.Phe2114Leu)

Gene: TRIO (trio Rho guanine nucleotide exchange factor; plus strand). Cytogenetic location: 5p15.2.
Variant type: single nucleotide variant.
Coding change: c.6342C>A on transcript NM_007118.4 (MANE Select); coding-DNA position 6342, C replaced by A.
Protein change: p.Phe2114Leu; replaces phenylalanine 2114 with leucine.
Molecular consequence: missense variant. On other transcripts: non-coding transcript variant (1).
Genome position (GRCh38, 1-based): chr5:14,481,239, C>A. VCF-style: chr5-14481239-C-A. GRCh37 (hg19) VCF-style: chr5-14481348-C-A.
Other names: short protein forms F2114L.
Identifiers: ClinVar variation 1698323 (VCV001698323.2), dbSNP rs1755489464, ClinGen allele CA359235109.
Genomic context (GRCh38, chr5:14,481,239, plus strand): 5'-GTCAGCTGCTGTTGTCTTTGTCACCATTATCATGTCCTCTCCATTTCCCTTGCAGGACTT[C>A]CTCAAGTATTCCAAAAAGGCCAGCCTGGATACATCAGAATTAGAGGTACATGCATCAGCG-3'
Protein context (NP_009049.2, residues 2104-2124): IMKYQLLLKD[Phe2114Leu]LKYSKKASLD

ClinVar aggregate classification (germline): Uncertain significance (1 of 4 stars; one submission).

Allele frequency attached by ClinVar (database versions not stated): gnomAD 0.00001.
gnomAD v4.1: 2 of 1,613,818 alleles (0.00012%); highest among the groups gnomAD compares: Admixed American, 0.0017%; no homozygotes.

Submission:

GeneDx
Classification: Uncertain significance. Last evaluated: 2022-01-24. Review status: criteria provided, single submitter. Criteria: GeneDx Variant Classification Process June 2021. Collection method: clinical testing. Allele origin: germline. Affected: yes.
Comment: Not observed at significant frequency in large population cohorts (gnomAD); In silico analysis supports that this missense variant does not alter protein structure/function; Has not been previously published as pathogenic or benign to our knowledge